The following is an entry in ClinVar:

ClinVar aggregate classification (germline): Likely benign (1 of 4 stars; one submission).

gnomAD v4.1: 233 of 1,612,728 alleles (0.014%); highest among the groups gnomAD compares: Non-Finnish European, 0.014%; no homozygotes.

Submission:

CeGaT Center for Human Genetics Tuebingen
Classification: Likely benign. Last evaluated: 2025-09-01. Review status: criteria provided, single submitter. Criteria: CeGaT Center For Human Genetics Tuebingen Variant Classification Criteria Version 2. Collection method: clinical testing. Allele origin: germline. Affected: yes. Observed: 1 variant allele.
Comment: TEP1: BP4, BP7

NM_007110.5(TEP1):c.3243T>G (p.Gly1081=)

Gene: TEP1 (telomerase associated protein 1; minus strand). Cytogenetic location: 14q11.2.
Variant type: single nucleotide variant.
Coding change: c.3243T>G on transcript NM_007110.5 (MANE Select); coding-DNA position 3243, T replaced by G.
Protein change: p.Gly1081=; no amino-acid change (glycine 1081 retained).
Molecular consequence: synonymous variant.
Genome position (GRCh38, 1-based): chr14:20,384,487, A>C on the plus strand (T>G on the coding strand, the complement: TEP1 is on the minus strand). VCF-style: chr14-20384487-A-C. GRCh37 (hg19) VCF-style: chr14-20852646-A-C.
Other names: c.2919T>G, p.Gly973= (NM_001319035.2).
Identifiers: ClinVar variation 4280844 (VCV004280844.7).
Genomic context (GRCh38, chr14:20,384,487, plus strand): 5'-CTGCAGAACCAACTGCCCAAACTCCTCCAGCCCGCCAACATAGGGCCGGCCAGCTGCCAC[A>C]CCCCCCCACTCACAGGGGTATCTGTGGGCAAATCAAGCACAACCAGGTCAGAGCAGGCCC-3'
Protein context (NP_009041.2, residues 1071-1091): TCRRYPCEWG[Gly1081=]VAAGRPYVGG